The following is an entry in ClinVar:

NM_201384.3(PLEC):c.2479G>A (p.Glu827Lys)

Gene: PLEC (plectin; minus strand). Cytogenetic location: 8q24.3.
Variant type: single nucleotide variant.
Coding change: c.2479G>A on transcript NM_201384.3 (MANE Select); coding-DNA position 2479, G replaced by A.
Protein change: p.Glu827Lys; replaces glutamic acid 827 with lysine.
Molecular consequence: missense variant.
Genome position (GRCh38, 1-based): chr8:143,930,277, C>T on the plus strand (G>A on the coding strand, the complement: PLEC is on the minus strand). VCF-style: chr8-143930277-C-T. GRCh37 (hg19) VCF-style: chr8-145004445-C-T.
Other names: c.2560G>A, p.Glu854Lys (NM_000445.5); c.2437G>A, p.Glu813Lys (NM_201378.4); c.2413G>A, p.Glu805Lys (NM_201379.3); c.2890G>A, p.Glu964Lys (NM_201380.4); c.2383G>A, p.Glu795Lys (NM_201381.3); c.2479G>A, p.Glu827Lys (NM_201382.4); c.2491G>A, p.Glu831Lys (NM_201383.3); short protein forms E831K, E795K, E813K, E854K, E964K, E805K, E827K.
Identifiers: ClinVar variation 1367259 (VCV001367259.8), dbSNP rs782025916, ClinGen allele CA4927501.

ClinVar aggregate classification (germline): Uncertain significance (1 of 4 stars; one submission).

Conditions:
Epidermolysis bullosa simplex 5C, with pyloric atresia (EBS5C). Also called: PLEC-Related Epidermolysis Bullosa with Pyloric Atresia; Epidermolysis bullosa simplex with pyloric atresia; PLEC1-Related Epidermolysis Bullosa with Pyloric Atresia. Identifiers: Orphanet 158684, MedGen C2677349, MONDO:0012807, OMIM 612138.
Epidermolysis bullosa simplex 5B, with muscular dystrophy (EBS5B). Also called: EPIDERMOLYSIS BULLOSA SIMPLEX AND LIMB-GIRDLE MUSCULAR DYSTROPHY; Epidermolysis bullosa simplex with muscular dystrophy. Identifiers: Orphanet 257, MedGen C2931072, MONDO:0009181, OMIM 226670.
Epidermolysis bullosa simplex, Ogna type (EBS5A). Also called: Pidermolysis bullosa simplex 5A, Ogna type; EPIDERMOLYSIS BULLOSA SIMPLEX 5A, OGNA TYPE. Identifiers: Orphanet 79401, MedGen C0432317, MONDO:0007555, OMIM 131950.
Autosomal recessive limb-girdle muscular dystrophy type 2Q (LGMDR17). Also called: MUSCULAR DYSTROPHY, LIMB-GIRDLE, AUTOSOMAL RECESSIVE 17. Identifiers: Orphanet 254361, MedGen C3150989, MONDO:0013390, OMIM 613723.
Epidermolysis bullosa simplex with nail dystrophy (EBS5D). Identifiers: MedGen C4225309, MONDO:0014661, OMIM 616487.

Allele frequency attached by ClinVar (database versions not stated): gnomAD 0.00002; gnomAD exomes 0.00003; TOPMed 0.00003; ExAC 0.00006.

Submission:

Labcorp Genetics (formerly Invitae), Labcorp
Classification: Uncertain significance for Autosomal recessive limb-girdle muscular dystrophy type 2Q; Epidermolysis bullosa simplex, Ogna type; Epidermolysis bullosa simplex with nail dystrophy; Epidermolysis bullosa simplex 5C, with pyloric atresia; Epidermolysis bullosa simplex 5B, with muscular dystrophy. Last evaluated: 2026-01-22. Review status: criteria provided, single submitter. Criteria: Invitae Variant Classification Sherloc (09022015). Collection method: clinical testing. Allele origin: germline.
Comment: This sequence change replaces glutamic acid, which is acidic and polar, with lysine, which is basic and polar, at codon 854 of the PLEC protein (p.Glu854Lys). This variant is present in population databases (rs782025916, gnomAD 0.009%). This variant has not been reported in the literature in individuals affected with PLEC-related conditions. ClinVar contains an entry for this variant (Variation ID: 1367259). Invitae Evidence Modeling of protein sequence and biophysical properties (such as structural, functional, and spatial information, amino acid conservation, physicochemical variation, residue mobility, and thermodynamic stability) indicates that this missense variant is not expected to disrupt PLEC protein function with a negative predictive value of 80%. In summary, the available evidence is currently insufficient to determine the role of this variant in disease. Therefore, it has been classified as a Variant of Uncertain Significance.